The following is an entry in ClinVar:

NM_004048.4(B2M):c.272C>A (p.Thr91Asn)

Gene: B2M (beta-2-microglobulin; plus strand). Cytogenetic location: 15q21.1.
Variant type: single nucleotide variant.
Coding change: c.272C>A on transcript NM_004048.4 (MANE Select); coding-DNA position 272, C replaced by A.
Protein change: p.Thr91Asn; replaces threonine 91 with asparagine.
Molecular consequence: missense variant.
Genome position (GRCh38, 1-based): chr15:44,715,627, C>A. VCF-style: chr15-44715627-C-A. GRCh37 (hg19) VCF-style: chr15-45007825-C-A.
Other names: short protein forms T91N.
Identifiers: ClinVar variation 4845374 (VCV004845374.1).

ClinVar aggregate classification (germline): Uncertain significance (1 of 4 stars; one submission).

Conditions:
Amyloidosis, hereditary systemic 6. Identifiers: MedGen C5935573, MONDO:0971010, OMIM 620659.

Submission:

Institute of Human Genetics, University of Leipzig Medical Center
Classification: Uncertain significance for Amyloidosis, hereditary systemic 6. Last evaluated: 2026-03-30. Review status: criteria provided, single submitter. Criteria: ACMG Guidelines, 2015. Collection method: clinical testing. Allele origin: unknown. Inheritance: Autosomal dominant inheritance. Affected: yes.
Comment: Criteria applied: PM2, PP4, BP4